The following is an entry in ClinVar:

ClinVar aggregate classification (germline): Likely benign (1 of 4 stars; one submission).

Allele frequency attached by ClinVar (database versions not stated): TOPMed below 0.00001; gnomAD 0.00001; 1000 Genomes Project 30x 0.00078.

Submission:

CeGaT Center for Human Genetics Tuebingen
Classification: Likely benign. Last evaluated: 2023-02-01. Review status: criteria provided, single submitter. Criteria: CeGaT Center For Human Genetics Tuebingen Variant Classification Criteria Version 2. Collection method: clinical testing. Allele origin: germline. Affected: yes. Observed: 1 variant allele.
Comment: TARBP1: BP4, BP7

NM_005646.4(TARBP1):c.372G>A (p.Ala124=)

Genes: TARBP1 (tRNA guanosine 2 -O-methyltransferase TARBP1; minus strand), LOC129932799 (ATAC-STARR-seq lymphoblastoid silent region 1970; plus strand). Cytogenetic location: 1q42.2.
Variant type: single nucleotide variant.
Coding change: c.372G>A on transcript NM_005646.4 (MANE Select); coding-DNA position 372, G replaced by A.
Protein change: p.Ala124=; no amino-acid change (alanine 124 retained).
Molecular consequence: synonymous variant.
Genome position (GRCh38, 1-based): chr1:234,478,732, C>T on the plus strand (G>A on the coding strand, the complement: TARBP1 is on the minus strand). VCF-style: chr1-234478732-C-T. GRCh37 (hg19) VCF-style: chr1-234614478-C-T.
Identifiers: ClinVar variation 2640092 (VCV002640092.24), dbSNP rs1669834390, ClinGen allele CA424048873.